The following is an entry in ClinVar:

ClinVar aggregate classification (germline): Uncertain significance (1 of 4 stars; one submission).

Conditions:
Singleton-Merten syndrome 1 (SGMRT1). Also called: Widened medullary cavities of bone, aortic calcification, abnormal dentition, and muscular weakness; Syndrome of widened medullary cavities of the metacarpals and phalanges, aortic calcification and abnormal dentition. Identifiers: Orphanet 85191, MedGen C4225427, MONDO:0024535, OMIM 182250.
Aicardi-Goutieres syndrome 7 (AGS7). Identifiers: Orphanet 51, MedGen C3888244, MONDO:0014367, OMIM 615846.

Submission:

Labcorp Genetics (formerly Invitae), Labcorp
Classification: Uncertain significance for Aicardi-Goutieres syndrome 7; Singleton-Merten syndrome 1. Last evaluated: 2025-08-09. Review status: criteria provided, single submitter. Criteria: Invitae Variant Classification Sherloc (09022015). Collection method: clinical testing. Allele origin: germline.
Comment: This sequence change replaces leucine, which is neutral and non-polar, with proline, which is neutral and non-polar, at codon 513 of the IFIH1 protein (p.Leu513Pro). This variant is not present in population databases (gnomAD no frequency). This variant has not been reported in the literature in individuals affected with IFIH1-related conditions. Invitae Evidence Modeling of protein sequence and biophysical properties (such as structural, functional, and spatial information, amino acid conservation, physicochemical variation, residue mobility, and thermodynamic stability) has been performed for this missense variant. However, the output from this modeling did not meet the statistical confidence thresholds required to predict the impact of this variant on IFIH1 protein function. In summary, the available evidence is currently insufficient to determine the role of this variant in disease. Therefore, it has been classified as a Variant of Uncertain Significance.

NM_022168.4(IFIH1):c.1538T>C (p.Leu513Pro)

Gene: IFIH1 (interferon induced with helicase C domain 1; minus strand). Cytogenetic location: 2q24.2.
Variant type: single nucleotide variant.
Coding change: c.1538T>C on transcript NM_022168.4 (MANE Select); coding-DNA position 1538, T replaced by C.
Protein change: p.Leu513Pro; replaces leucine 513 with proline.
Molecular consequence: missense variant.
Genome position (GRCh38, 1-based): chr2:162,280,099, A>G on the plus strand (T>C on the coding strand, the complement: IFIH1 is on the minus strand). VCF-style: chr2-162280099-A-G. GRCh37 (hg19) VCF-style: chr2-163136609-A-G.
Other names: short protein forms L513P.
Identifiers: ClinVar variation 4789317 (VCV004789317.1).